The following is an entry in ClinVar:

ClinVar aggregate classification (germline): Uncertain significance. Review status: criteria provided, multiple submitters, no conflicts (2 of 4 stars). 2 submissions from 2 submitters: Uncertain significance (2). Last evaluated 2024-01-02.

Allele frequency attached by ClinVar (database versions not stated): gnomAD 0.00002 and 0.00003; gnomAD exomes 0.00002 and 0.00003; TOPMed 0.00002; ExAC 0.00002.
gnomAD v4.1: 31 of 1,613,982 alleles (0.0019%); highest among the groups gnomAD compares: Middle Eastern, 0.099%; no homozygotes.

Submissions (2):

Ambry Genetics
Classification: Uncertain significance. Last evaluated: 2024-01-02. Review status: criteria provided, single submitter. Criteria: Ambry Variant Classification Scheme 2023. Collection method: clinical testing. Allele origin: germline.

Labcorp Genetics (formerly Invitae), Labcorp
Classification: Uncertain significance. Last evaluated: 2022-03-05. Review status: criteria provided, single submitter. Criteria: Invitae Variant Classification Sherloc (09022015). Collection method: clinical testing. Allele origin: germline.
Comment: This sequence change replaces alanine, which is neutral and non-polar, with serine, which is neutral and polar, at codon 57 of the RASGRP1 protein (p.Ala57Ser). This variant is present in population databases (rs769304356, gnomAD 0.01%). This variant has not been reported in the literature in individuals affected with RASGRP1-related conditions. Algorithms developed to predict the effect of missense changes on protein structure and function (SIFT, PolyPhen-2, Align-GVGD) all suggest that this variant is likely to be tolerated. In summary, the available evidence is currently insufficient to determine the role of this variant in disease. Therefore, it has been classified as a Variant of Uncertain Significance.

NM_005739.4(RASGRP1):c.169G>T (p.Ala57Ser)

Gene: RASGRP1 (RAS guanyl releasing protein 1; minus strand). Cytogenetic location: 15q14.
Variant type: single nucleotide variant.
Coding change: c.169G>T on transcript NM_005739.4 (MANE Select); coding-DNA position 169, G replaced by T.
Protein change: p.Ala57Ser; replaces alanine 57 with serine.
Molecular consequence: missense variant.
Genome position (GRCh38, 1-based): chr15:38,559,872, C>A on the plus strand (G>T on the coding strand, the complement: RASGRP1 is on the minus strand). VCF-style: chr15-38559872-C-A. GRCh37 (hg19) VCF-style: chr15-38852073-C-A.
Other names: c.169G>T, p.Ala57Ser (NM_001128602.2, NM_001306086.2); c.169G>T (NM_005739.3); short protein forms A57S.
Identifiers: ClinVar variation 1524120 (VCV001524120.6), dbSNP rs769304356, ClinGen allele CA7471190.
Genomic context (GRCh38, chr15:38,559,872, plus strand): 5'-CCAACTTACCAAAAGATTGAATGCAGCTGTCAATGAGATCGTCCAGGCTGGCTCCTTTGG[C>A]TAAATGTCCCAGAGACACCATCATTCGGAACTGGGTGATGTGGGCCAAGCTGGGATGGGA-3'
Protein context (NP_005730.2, residues 47-67): FRMMVSLGHL[Ala57Ser]KGASLDDLID